The following is an entry in ClinVar:

NM_177438.3(DICER1):c.3170T>C (p.Ile1057Thr)

Gene: DICER1 (dicer 1, ribonuclease III; minus strand). Cytogenetic location: 14q32.13.
Variant type: single nucleotide variant.
Coding change: c.3170T>C on transcript NM_177438.3 (MANE Select); coding-DNA position 3170, T replaced by C.
Protein change: p.Ile1057Thr; replaces isoleucine 1057 with threonine.
Molecular consequence: missense variant.
Genome position (GRCh38, 1-based): chr14:95,105,170, A>G on the plus strand (T>C on the coding strand, the complement: DICER1 is on the minus strand). VCF-style: chr14-95105170-A-G. GRCh37 (hg19) VCF-style: chr14-95571507-A-G.
Other names: c.3170T>C, p.Ile1057Thr (NM_001195573.1, NM_001271282.3, NM_001291628.2 and 1 more transcripts); short protein forms I1057T.
Identifiers: ClinVar variation 653352 (VCV000653352.11), dbSNP rs1595370976, ClinGen allele CA390876668.

ClinVar aggregate classification (germline): Uncertain significance. Review status: criteria provided, multiple submitters, no conflicts (2 of 4 stars). 2 submissions from 2 submitters: Uncertain significance (2). Last evaluated 2025-05-14.

Conditions:
Hereditary cancer-predisposing syndrome. Also called: Neoplastic Syndromes, Hereditary; Hereditary neoplastic syndrome; Hereditary Cancer Syndrome; Tumor predisposition. Identifiers: Orphanet 140162, MedGen C0027672, MeSH D009386, MONDO:0015356.
DICER1-related tumor predisposition. Also called: DICER1 syndrome; DICER1-related pleuropulmonary blastoma cancer predisposition syndrome. Identifiers: Orphanet 284343, MedGen C3839822, MONDO:0100216.

Submissions (2):

Ambry Genetics
Classification: Uncertain significance for Hereditary cancer-predisposing syndrome. Last evaluated: 2025-05-14. Review status: criteria provided, single submitter. Criteria: Ambry Variant Classification Scheme 2023. Collection method: clinical testing. Allele origin: germline.
Comment: The p.I1057T variant (also known as c.3170T>C), located in coding exon 19 of the DICER1 gene, results from a T to C substitution at nucleotide position 3170. The isoleucine at codon 1057 is replaced by threonine, an amino acid with similar properties. This amino acid position is highly conserved in available vertebrate species. In addition, the in silico prediction for this alteration is inconclusive. Based on the available evidence, the clinical significance of this variant remains unclear.

Labcorp Genetics (formerly Invitae), Labcorp
Classification: Uncertain significance for DICER1-related tumor predisposition. Last evaluated: 2018-11-05. Review status: criteria provided, single submitter. Criteria: Invitae Variant Classification Sherloc (09022015). Collection method: clinical testing. Allele origin: germline.
Comment: In summary, the available evidence is currently insufficient to determine the role of this variant in disease. Therefore, it has been classified as a Variant of Uncertain Significance. Algorithms developed to predict the effect of missense changes on protein structure and function (SIFT, PolyPhen-2, Align-GVGD) all suggest that this variant is likely to be disruptive, but these predictions have not been confirmed by published functional studies and their clinical significance is uncertain. This variant has not been reported in the literature in individuals with DICER1-related disease. This variant is not present in population databases (ExAC no frequency). This sequence change replaces isoleucine with threonine at codon 1057 of the DICER1 protein (p.Ile1057Thr). The isoleucine residue is highly conserved and there is a moderate physicochemical difference between isoleucine and threonine.